The following is an entry in ClinVar:

ClinVar aggregate classification (germline): Uncertain significance (1 of 4 stars; one submission).

Conditions:
Inborn genetic diseases. Identifiers: MedGen C0950123, MeSH D030342.

Submission:

Ambry Genetics
Classification: Uncertain significance for Inborn genetic diseases. Last evaluated: 2025-03-02. Review status: criteria provided, single submitter. Criteria: Ambry Variant Classification Scheme 2023. Collection method: clinical testing. Allele origin: germline.
Comment: The p.T181P variant (also known as c.541A>C), located in coding exon 4 of the ANKRD26 gene, results from an A to C substitution at nucleotide position 541. The threonine at codon 181 is replaced by proline, an amino acid with highly similar properties. This amino acid position is conserved. In addition, this alteration is predicted to be deleterious by in silico analysis. Based on the available evidence, the clinical significance of this variant remains unclear.

NM_014915.3(ANKRD26):c.541A>C (p.Thr181Pro)

Gene: ANKRD26 (ankyrin repeat domain containing 26; minus strand). Cytogenetic location: 10p12.1.
Variant type: single nucleotide variant.
Coding change: c.541A>C on transcript NM_014915.3 (MANE Select); coding-DNA position 541, A replaced by C.
Protein change: p.Thr181Pro; replaces threonine 181 with proline.
Molecular consequence: missense variant.
Genome position (GRCh38, 1-based): chr10:27,092,503, T>G on the plus strand (A>C on the coding strand, the complement: ANKRD26 is on the minus strand). VCF-style: chr10-27092503-T-G. GRCh37 (hg19) VCF-style: chr10-27381432-T-G.
Other names: c.541A>C, p.Thr181Pro (NM_001256053.2); short protein forms T181P.
Identifiers: ClinVar variation 3871910 (VCV003871910.1).
Genomic context (GRCh38, chr10:27,092,503, plus strand): 5'-TCTTTATTAAAAATTCCACCATTTGCTGCTTTTTTCCACTTACTGCAAGTAAAAGTGGTG[T>G]GAGGTCATCCTGTAAGACAGCAAAAACAAGTTAAAATGCATAAAATTACATAATTCTCGG-3'
Protein context (NP_055730.2, residues 171-191): NIEAKNKDDL[Thr181Pro]PLLLAVSGKK